The following is an entry in ClinVar:

ClinVar aggregate classification (germline): Pathogenic (1 of 4 stars; one submission).

Conditions:
Familial cancer of breast. Also called: hereditary breast carcinoma; Hereditary breast cancer; BREAST CANCER, FAMILIAL. Identifiers: Orphanet 227535, MedGen C0346153, MONDO:0016419, OMIM 114480. Disease mechanism: loss of function.

Submission:

Labcorp Genetics (formerly Invitae), Labcorp
Classification: Pathogenic for Familial cancer of breast. Last evaluated: 2020-09-09. Review status: criteria provided, single submitter. Criteria: Invitae Variant Classification Sherloc (09022015). Collection method: clinical testing. Allele origin: germline.
Comment: This sequence change creates a premature translational stop signal (p.Thr168Profs*3) in the CHEK2 gene. It is expected to result in an absent or disrupted protein product. This variant is not present in population databases (ExAC no frequency). This variant has not been reported in the literature in individuals with CHEK2-related conditions. Loss-of-function variants in CHEK2 are known to be pathogenic (PMID: 21876083, 24713400). For these reasons, this variant has been classified as Pathogenic.

Literature cited by the submitters: PubMed 21876083; PubMed 24713400.

NM_007194.4(CHEK2):c.502del (p.Thr168fs)

Gene: CHEK2 (checkpoint kinase 2; minus strand). Cytogenetic location: 22q12.1.
Variant type: Deletion.
Coding change: c.502del on transcript NM_007194.4 (MANE Select); coding-DNA position 502, one base deleted (A; older notation c.502delA).
Protein change: p.Thr168fs; shifts the reading frame from threonine 168.
Molecular consequence: frameshift variant. On other transcripts: 5 prime UTR variant (2), intron variant (1).
Genome position (GRCh38, 1-based): chr22:28,725,067, T deleted on the plus strand (A on the coding strand, the reverse complement: CHEK2 is on the minus strand); the first of 2 consecutive T bases (chr22:28,725,067-28,725,068); deleting either gives the same sequence. VCF-style (leftmost placement, unchanged base first): chr22-28725066-GT-G. GRCh37 (hg19) VCF-style: chr22-29121054-GT-G.
Other names: c.631del, p.Thr211fs (NM_001005735.3, NM_001438294.1); c.-276del (NM_001257387.3); c.-162del (NM_001437942.1); c.595del, p.Thr199fs (NM_001438293.1, NM_001438295.1); c.502del, p.Thr168fs (NM_145862.3); c.445-144del (NM_001349956.3); short protein forms T168fs, T211fs, T199fs.
Identifiers: ClinVar variation 1074770 (VCV001074770.8), dbSNP rs2146059921, ClinGen allele CA2499226096.